The following is an entry in ClinVar:

ClinVar aggregate classification (germline): Uncertain significance. Review status: criteria provided, multiple submitters, no conflicts (2 of 4 stars). 2 submissions from 2 submitters: Uncertain significance (2). Last evaluated 2025-12-09.

Conditions:
Progressive myoclonic epilepsy type 9. Identifiers: Orphanet 457265, MedGen C4225289, MONDO:0014685, OMIM 616540.
Lipodystrophy, partial, acquired, susceptibility to (APLD). Also called: APLD, SUSCEPTIBILITY TO. Identifiers: MedGen C3887501, MONDO:0100476, OMIM 608709.

Allele frequency attached by ClinVar (database versions not stated): gnomAD 0.00003 and 0.00004; TOPMed 0.00005; gnomAD exomes 0.00007 and 0.00008; ExAC 0.00009.
gnomAD v4.1: 122 of 1,607,268 alleles (0.0076%); highest among the groups gnomAD compares: Admixed American, 0.012%; no homozygotes.

Submissions (2):

Ambry Genetics
Classification: Uncertain significance. Last evaluated: 2025-12-09. Review status: criteria provided, single submitter. Criteria: Ambry Variant Classification Scheme 2023. Collection method: clinical testing. Allele origin: germline.

Labcorp Genetics (formerly Invitae), Labcorp
Classification: Uncertain significance for Progressive myoclonic epilepsy type 9; Lipodystrophy, partial, acquired, susceptibility to. Last evaluated: 2025-02-11. Review status: criteria provided, single submitter. Criteria: Invitae Variant Classification Sherloc (09022015). Collection method: clinical testing. Allele origin: germline.
Comment: This sequence change replaces glycine, which is neutral and non-polar, with serine, which is neutral and polar, at codon 323 of the LMNB2 protein (p.Gly323Ser). This variant is present in population databases (rs771401646, gnomAD 0.06%). This variant has not been reported in the literature in individuals affected with LMNB2-related conditions. ClinVar contains an entry for this variant (Variation ID: 967429). Invitae Evidence Modeling of protein sequence and biophysical properties (such as structural, functional, and spatial information, amino acid conservation, physicochemical variation, residue mobility, and thermodynamic stability) indicates that this missense variant is not expected to disrupt LMNB2 protein function with a negative predictive value of 80%. In summary, the available evidence is currently insufficient to determine the role of this variant in disease. Therefore, it has been classified as a Variant of Uncertain Significance.

NM_032737.4(LMNB2):c.967G>A (p.Gly323Ser)

Gene: LMNB2 (lamin B2; minus strand). Cytogenetic location: 19p13.3.
Variant type: single nucleotide variant.
Coding change: c.967G>A on transcript NM_032737.4 (MANE Select); coding-DNA position 967, G replaced by A.
Protein change: p.Gly323Ser; replaces glycine 323 with serine.
Molecular consequence: missense variant.
Genome position (GRCh38, 1-based): chr19:2,434,802, C>T on the plus strand (G>A on the coding strand, the complement: LMNB2 is on the minus strand). VCF-style: chr19-2434802-C-T. GRCh37 (hg19) VCF-style: chr19-2434800-C-T.
Other names: c.907G>A (NM_032737.2); short protein forms G323S.
Identifiers: ClinVar variation 967429 (VCV000967429.11), dbSNP rs771401646, ClinGen allele CA9067670.